The following is an entry in ClinVar:

NM_001182.5(ALDH7A1):c.427G>C (p.Gly143Arg)

Gene: ALDH7A1 (aldehyde dehydrogenase 7 family member A1; minus strand). Cytogenetic location: 5q23.2.
Variant type: single nucleotide variant.
Coding change: c.427G>C on transcript NM_001182.5 (MANE Select); coding-DNA position 427, G replaced by C.
Protein change: p.Gly143Arg; replaces glycine 143 with arginine.
Molecular consequence: missense variant.
Genome position (GRCh38, 1-based): chr5:126,582,941, C>G on the plus strand (G>C on the coding strand, the complement: ALDH7A1 is on the minus strand). VCF-style: chr5-126582941-C-G. GRCh37 (hg19) VCF-style: chr5-125918633-C-G.
Other names: c.343G>C, p.Gly115Arg (NM_001201377.2); c.427G>C, p.Gly143Arg (NM_001202404.2); short protein forms G143R, G115R.
Identifiers: ClinVar variation 2715235 (VCV002715235.3), dbSNP rs2480338161, ClinGen allele CA360731887.
Genomic context (GRCh38, chr5:126,582,941, plus strand): 5'-TCCTTGATAAACCAACAGCATAGTCACAGATATCCACATACTCCTGAACTTCACCCACAC[C>G]TTCCACTAAGATTTTCCCCATCTCCAAAGACACCTAGAAATATAAAACGACAAGCAGAAT-3'
Protein context (NP_001173.2, residues 133-153): SLEMGKILVE[Gly143Arg]VGEVQEYVDI

ClinVar aggregate classification (germline): Likely pathogenic (1 of 4 stars; one submission).

Conditions:
Pyridoxine-dependent epilepsy (EPEO4). Also called: Pyridoxine-Dependent Seizures; PYRIDOXINE DEPENDENCY WITH SEIZURES; EPILEPSY, EARLY-ONSET, 4, VITAMIN B6-DEPENDENT; Pyridoxine-Dependent Epilepsy - ALDH7A1. Identifiers: Orphanet 3006, MedGen C1849508, MONDO:0009945, OMIM 266100. Disease mechanism: loss of function.

Submission:

Labcorp Genetics (formerly Invitae), Labcorp
Classification: Likely pathogenic for Pyridoxine-dependent epilepsy. Last evaluated: 2023-08-30. Review status: criteria provided, single submitter. Criteria: Invitae Variant Classification Sherloc (09022015). Collection method: clinical testing. Allele origin: germline.
Comment: This sequence change replaces glycine, which is neutral and non-polar, with arginine, which is basic and polar, at codon 143 of the ALDH7A1 protein (p.Gly143Arg). This variant is not present in population databases (gnomAD no frequency). This missense change has been observed in individual(s) with pyridoxine-dependent epilepsy (PMID: 23022070). Advanced modeling of protein sequence and biophysical properties (such as structural, functional, and spatial information, amino acid conservation, physicochemical variation, residue mobility, and thermodynamic stability) performed at Invitae indicates that this missense variant is expected to disrupt ALDH7A1 protein function. In summary, the currently available evidence indicates that the variant is pathogenic, but additional data are needed to prove that conclusively. Therefore, this variant has been classified as Likely Pathogenic.

Literature cited by the submitters: PubMed 23022070.